The following is an entry in ClinVar:

ClinVar aggregate classification (germline): Likely benign (0 of 4 stars; one submission).

Conditions:
EPHA3-related disorder. Also called: EPHA3-related condition.

Allele frequency attached by ClinVar (database versions not stated): gnomAD 0.00005; TOPMed 0.00007; ExAC 0.00014; 1000 Genomes Project 30x 0.00016; 1000 Genomes Project 0.00020.

Submission:

PreventionGenetics, part of Exact Sciences
Classification: Likely benign for EPHA3-related condition. Last evaluated: 2019-05-02. Review status: no assertion criteria provided. Collection method: clinical testing. Allele origin: germline.
Comment: This variant is classified as likely benign based on ACMG/AMP sequence variant interpretation guidelines (Richards et al. 2015 PMID: 25741868, with internal and published modifications).

NM_005233.6(EPHA3):c.841T>C (p.Leu281=)

Gene: EPHA3 (EPH receptor A3; plus strand). Cytogenetic location: 3p11.1.
Variant type: single nucleotide variant.
Coding change: c.841T>C on transcript NM_005233.6 (MANE Select); coding-DNA position 841, T replaced by C.
Protein change: p.Leu281=; no amino-acid change (leucine 281 retained).
Molecular consequence: synonymous variant.
Genome position (GRCh38, 1-based): chr3:89,340,942, T>C. VCF-style: chr3-89340942-T-C. GRCh37 (hg19) VCF-style: chr3-89390092-T-C.
Other names: c.841T>C, p.Leu281= (NM_001410778.1, NM_182644.3).
Identifiers: ClinVar variation 3059008 (VCV003059008.2), dbSNP rs182691254, ClinGen allele CA2502367.
Genomic context (GRCh38, chr3:89,340,942, plus strand): 5'-ACAGACTTTTAAAAGAGAGTCATTTTGTTTGTAGCTTGTCGACCAGGTTTCTACAAGGCA[T>C]TGGATGGTAATATGAAGTGTGCTAAGTGCCCGCCTCACAGTTCTACTCAGGAAGATGGTT-3'
Protein context (NP_005224.2, residues 271-291): QACRPGFYKA[Leu281=]DGNMKCAKCP